The following is an entry in ClinVar:

NM_052947.4(ALPK2):c.430G>A (p.Glu144Lys)

Gene: ALPK2 (alpha kinase 2; minus strand). Cytogenetic location: 18q21.31.
Variant type: single nucleotide variant.
Coding change: c.430G>A on transcript NM_052947.4 (MANE Select); coding-DNA position 430, G replaced by A.
Protein change: p.Glu144Lys; replaces glutamic acid 144 with lysine.
Molecular consequence: missense variant.
Genome position (GRCh38, 1-based): chr18:58,580,346, C>T on the plus strand (G>A on the coding strand, the complement: ALPK2 is on the minus strand). VCF-style: chr18-58580346-C-T. GRCh37 (hg19) VCF-style: chr18-56247578-C-T.
Other names: short protein forms E144K.
Identifiers: ClinVar variation 1739620 (VCV001739620.2), dbSNP rs778803253, ClinGen allele CA402567989.

ClinVar aggregate classification (germline): Uncertain significance (1 of 4 stars; one submission).

Submission:

Ambry Genetics
Classification: Uncertain significance. Last evaluated: 2022-04-01. Review status: criteria provided, single submitter. Criteria: Ambry Variant Classification Scheme 2023. Collection method: clinical testing. Allele origin: germline.
Comment: The p.E144K variant (also known as c.430G>A), located in coding exon 3 of the ALPK2 gene, results from a G to A substitution at nucleotide position 430. The glutamic acid at codon 144 is replaced by lysine, an amino acid with similar properties. This amino acid position is conserved. In addition, this alteration is predicted to be tolerated by in silico analysis. Since supporting evidence is limited at this time, the clinical significance of this alteration remains unclear.